The following is an entry in ClinVar:

ClinVar aggregate classification (germline): Uncertain significance (1 of 4 stars; one submission).

Submission:

GeneDx
Classification: Uncertain significance. Last evaluated: 2025-03-17. Review status: criteria provided, single submitter. Criteria: GeneDx Variant Classification Process June 2021. Collection method: clinical testing. Allele origin: germline. Affected: yes.
Comment: Not observed at significant frequency in large population cohorts (gnomAD); In silico analysis indicates that this missense variant does not alter protein structure/function; Has not been previously published as pathogenic or benign to our knowledge

NM_001371928.1(AHDC1):c.3538G>T (p.Gly1180Trp)

Gene: AHDC1 (AT-hook DNA binding motif containing 1; minus strand). Cytogenetic location: 1p36.11.
Variant type: single nucleotide variant.
Coding change: c.3538G>T on transcript NM_001371928.1 (MANE Select); coding-DNA position 3538, G replaced by T.
Protein change: p.Gly1180Trp; replaces glycine 1180 with tryptophan.
Molecular consequence: missense variant.
Genome position (GRCh38, 1-based): chr1:27,548,578, C>A on the plus strand (G>T on the coding strand, the complement: AHDC1 is on the minus strand). VCF-style: chr1-27548578-C-A. GRCh37 (hg19) VCF-style: chr1-27875089-C-A.
Other names: c.3538G>T, p.Gly1180Trp (NM_001029882.3); short protein forms G1180W.
Identifiers: ClinVar variation 4086755 (VCV004086755.1).